The following is an entry in ClinVar:

ClinVar aggregate classification (germline): Uncertain significance. Review status: criteria provided, multiple submitters, no conflicts (2 of 4 stars). 2 submissions from 2 submitters: Uncertain significance (2). Last evaluated 2024-09-18.

Conditions:
Microcephaly, normal intelligence and immunodeficiency (NBS). Also called: BERLIN BREAKAGE SYNDROME; Ataxia telangiectasia variant V1; IMMUNODEFICIENCY, MICROCEPHALY, AND CHROMOSOMAL INSTABILITY; SEEMANOVA SYNDROME II; Immunodeficiency, microcephaly with normal intelligence; Nijmegen breakage syndrome. Identifiers: Orphanet 647, MedGen C0398791, MONDO:0009623, OMIM 251260.
Hereditary cancer-predisposing syndrome. Also called: Tumor predisposition; Neoplastic Syndromes, Hereditary; Hereditary Cancer Syndrome; Hereditary neoplastic syndrome. Identifiers: Orphanet 140162, MedGen C0027672, MeSH D009386, MONDO:0015356.

Submissions (2):

Ambry Genetics
Classification: Uncertain significance for Hereditary cancer-predisposing syndrome. Last evaluated: 2024-09-18. Review status: criteria provided, single submitter. Criteria: Ambry Variant Classification Scheme 2023. Collection method: clinical testing. Allele origin: germline.
Comment: The p.V691G variant (also known as c.2072T>G), located in coding exon 14 of the NBN gene, results from a T to G substitution at nucleotide position 2072. The valine at codon 691 is replaced by glycine, an amino acid with dissimilar properties. In one study, this alteration was observed in 1/3236 cases with invasive epithelial ovarian cancer and 0/3431 controls (Ramus SJ et al. J Natl Cancer Inst, 2015 Nov;107:). This amino acid position is well conserved in available vertebrate species. In addition, this alteration is predicted to be tolerated by in silico analysis. Since supporting evidence is limited at this time, the clinical significance of this alteration remains unclear.

Labcorp Genetics (formerly Invitae), Labcorp
Classification: Uncertain significance for Microcephaly, normal intelligence and immunodeficiency. Last evaluated: 2022-11-15. Review status: criteria provided, single submitter. Criteria: Invitae Variant Classification Sherloc (09022015). Collection method: clinical testing. Allele origin: germline.
Comment: In summary, the available evidence is currently insufficient to determine the role of this variant in disease. Therefore, it has been classified as a Variant of Uncertain Significance. Algorithms developed to predict the effect of missense changes on protein structure and function are either unavailable or do not agree on the potential impact of this missense change (SIFT: "Tolerated"; PolyPhen-2: "Probably Damaging"; Align-GVGD: "Class C0"). ClinVar contains an entry for this variant (Variation ID: 627960). This missense change has been observed in individual(s) with ovarian cancer (PMID: 26315354). This variant is not present in population databases (gnomAD no frequency). This sequence change replaces valine, which is neutral and non-polar, with glycine, which is neutral and non-polar, at codon 691 of the NBN protein (p.Val691Gly).

Literature cited by the submitters: PubMed 26315354 (cited by Ambry Genetics and Labcorp Genetics (formerly Invitae), Labcorp).

NM_002485.5(NBN):c.2072T>G (p.Val691Gly)

Gene: NBN (nibrin; minus strand). Cytogenetic location: 8q21.3.
Variant type: single nucleotide variant.
Coding change: c.2072T>G on transcript NM_002485.5 (MANE Select); coding-DNA position 2072, T replaced by G.
Protein change: p.Val691Gly; replaces valine 691 with glycine.
Molecular consequence: missense variant.
Genome position (GRCh38, 1-based): chr8:89,943,365, A>C on the plus strand (T>G on the coding strand, the complement: NBN is on the minus strand). VCF-style: chr8-89943365-A-C. GRCh37 (hg19) VCF-style: chr8-90955593-A-C.
Other names: c.1826T>G, p.Val609Gly (NM_001024688.3); short protein forms V691G, V609G.
Identifiers: ClinVar variation 627960 (VCV000627960.13), dbSNP rs1563508748, ClinGen allele CA371675930.